The following is an entry in ClinVar:

ClinVar aggregate classification (germline): Uncertain significance. Review status: criteria provided, multiple submitters, no conflicts (2 of 4 stars). 2 submissions from 2 submitters: Uncertain significance (2). Last evaluated 2025-08-20.

Conditions:
Inborn genetic diseases. Identifiers: MedGen C0950123, MeSH D030342.
Early-infantile DEE. Also called: Early infantile epileptic encephalopathy; Ohtahara syndrome; Early infantile epileptic encephalopathy with suppression bursts. Identifiers: Orphanet 1934, MedGen C0393706, MONDO:0800491.

Allele frequency attached by ClinVar (database versions not stated): gnomAD 0.00001; TOPMed 0.00001; gnomAD exomes 0.00002; ESP Exome Variant Server 0.00008.
gnomAD v4.1: 23 of 1,612,528 alleles (0.0014%); highest among the groups gnomAD compares: Non-Finnish European, 0.0019%; no homozygotes.

Submissions (2):

Labcorp Genetics (formerly Invitae), Labcorp
Classification: Uncertain significance for Early-infantile DEE. Last evaluated: 2025-08-20. Review status: criteria provided, single submitter. Criteria: Invitae Variant Classification Sherloc (09022015). Collection method: clinical testing. Allele origin: germline.
Comment: This sequence change replaces aspartic acid, which is acidic and polar, with glutamic acid, which is acidic and polar, at codon 815 of the KCNQ2 protein (p.Asp815Glu). This variant is present in population databases (rs371844101, gnomAD 0.007%). This variant has not been reported in the literature in individuals affected with KCNQ2-related conditions. ClinVar contains an entry for this variant (Variation ID: 1426199). Invitae Evidence Modeling of protein sequence and biophysical properties (such as structural, functional, and spatial information, amino acid conservation, physicochemical variation, residue mobility, and thermodynamic stability) indicates that this missense variant is not expected to disrupt KCNQ2 protein function with a negative predictive value of 95%. In summary, the available evidence is currently insufficient to determine the role of this variant in disease. Therefore, it has been classified as a Variant of Uncertain Significance.

Ambry Genetics
Classification: Uncertain significance for Inborn genetic diseases. Last evaluated: 2025-01-20. Review status: criteria provided, single submitter. Criteria: Ambry Variant Classification Scheme 2023. Collection method: clinical testing. Allele origin: germline.

NM_172107.4(KCNQ2):c.2445T>G (p.Asp815Glu)

Gene: KCNQ2 (potassium voltage-gated channel subfamily Q member 2; minus strand). Cytogenetic location: 20q13.33.
Variant type: single nucleotide variant.
Coding change: c.2445T>G on transcript NM_172107.4 (MANE Select); coding-DNA position 2445, T replaced by G.
Protein change: p.Asp815Glu; replaces aspartic acid 815 with glutamic acid.
Molecular consequence: missense variant.
Genome position (GRCh38, 1-based): chr20:63,406,818, A>C on the plus strand (T>G on the coding strand, the complement: KCNQ2 is on the minus strand). VCF-style: chr20-63406818-A-C. GRCh37 (hg19) VCF-style: chr20-62038171-A-C.
Other names: c.2499T>G, p.Asp833Glu (NM_001382235.1); c.2361T>G, p.Asp787Glu (NM_004518.6); c.2391T>G, p.Asp797Glu (NM_172106.3); c.2352T>G, p.Asp784Glu (NM_172108.5); c.2445T>G (NM_172107.2); short protein forms D815E, D787E, D797E, D833E, D784E.
Identifiers: ClinVar variation 1426199 (VCV001426199.8), dbSNP rs371844101, ClinGen allele CA317421733.